The following is an entry in ClinVar:

NM_020831.6(MRTFA):c.1920G>A (p.Met640Ile)

Gene: MRTFA (myocardin related transcription factor A; minus strand). Cytogenetic location: 22q13.1.
Variant type: single nucleotide variant.
Coding change: c.1920G>A on transcript NM_020831.6 (MANE Select); coding-DNA position 1920, G replaced by A.
Protein change: p.Met640Ile; replaces methionine 640 with isoleucine.
Molecular consequence: missense variant.
Genome position (GRCh38, 1-based): chr22:40,418,818, C>T on the plus strand (G>A on the coding strand, the complement: MRTFA is on the minus strand). VCF-style: chr22-40418818-C-T. GRCh37 (hg19) VCF-style: chr22-40814822-C-T.
Other names: c.1620G>A, p.Met540Ile (NM_001282660.2); c.1770G>A, p.Met590Ile (NM_001282661.3); c.1920G>A, p.Met640Ile (NM_001282662.3); c.1725G>A, p.Met575Ile (NM_001318139.2); short protein forms M640I, M575I, M540I, M590I.
Identifiers: ClinVar variation 1950144 (VCV001950144.5), dbSNP rs2517814935, ClinGen allele CA411659343.

ClinVar aggregate classification (germline): Uncertain significance (1 of 4 stars; one submission).

gnomAD v4.1: 3 of 1,610,068 alleles (0.00019%); highest among the groups gnomAD compares: Non-Finnish European, 0.00025%; no homozygotes.

Submission:

Labcorp Genetics (formerly Invitae), Labcorp
Classification: Uncertain significance. Last evaluated: 2022-10-07. Review status: criteria provided, single submitter. Criteria: Invitae Variant Classification Sherloc (09022015). Collection method: clinical testing. Allele origin: germline.
Comment: This sequence change replaces methionine, which is neutral and non-polar, with isoleucine, which is neutral and non-polar, at codon 540 of the MKL1 protein (p.Met540Ile). In summary, the available evidence is currently insufficient to determine the role of this variant in disease. Therefore, it has been classified as a Variant of Uncertain Significance. Algorithms developed to predict the effect of missense changes on protein structure and function are either unavailable or do not agree on the potential impact of this missense change (SIFT: "Tolerated"; PolyPhen-2: "Possibly Damaging"; Align-GVGD: "Class C0"). This variant has not been reported in the literature in individuals affected with MKL1-related conditions. This variant is not present in population databases (gnomAD no frequency).